The following is an entry in ClinVar:

NM_000038.6(APC):c.6189T>C (p.His2063=)

Gene: APC (APC regulator of Wnt signaling pathway; plus strand). Cytogenetic location: 5q22.2.
Variant type: single nucleotide variant.
Coding change: c.6189T>C on transcript NM_000038.6 (MANE Select); coding-DNA position 6189, T replaced by C.
Protein change: p.His2063=; no amino-acid change (histidine 2063 retained).
Molecular consequence: synonymous variant.
Genome position (GRCh38, 1-based): chr5:112,841,783, T>C. VCF-style: chr5-112841783-T-C. GRCh37 (hg19) VCF-style: chr5-112177480-T-C.
Other names: c.6189T>C, p.His2063= (NM_001127510.3, NM_001354895.2); c.6135T>C, p.His2045= (NM_001127511.3); c.6243T>C, p.His2081= (NM_001354896.2); c.6219T>C, p.His2073= (NM_001354897.2); c.6114T>C, p.His2038= (NM_001354898.2); c.6105T>C, p.His2035= (NM_001354899.2); c.6066T>C, p.His2022= (NM_001354900.2); c.6012T>C, p.His2004= (NM_001354901.2); and 5 more.
Identifiers: ClinVar variation 754703 (VCV000754703.14), dbSNP rs1580668553, ClinGen allele CA446209412.
Genomic context (GRCh38, chr5:112,841,783, plus strand): 5'-AAGCTCCGCAATGCCAAAAAAGAAAAAGCCTTCAAGACTCAAGGGTGATAATGAAAAACA[T>C]AGTCCCAGAAATATGGGTGGCATATTAGGTGAAGATCTGACACTTGATTTGAAAGATATA-3'
Protein context (NP_000029.2, residues 2053-2073): PSRLKGDNEK[His2063=]SPRNMGGILG

ClinVar aggregate classification (germline): Benign/Likely benign. Review status: criteria provided, multiple submitters, no conflicts (2 of 4 stars). 3 submissions from 3 submitters: Benign (1); Likely benign (2). Last evaluated 2026-04-01.

Conditions:
Familial adenomatous polyposis 1 (FAP1). Also called: FAMILIAL ADENOMATOUS POLYPOSIS 1, ATTENUATED; POLYPOSIS, ADENOMATOUS INTESTINAL. Identifiers: MedGen C2713442, MONDO:0021056, OMIM 175100. Disease mechanism: loss of function.

Submissions (3):

CeGaT Center for Human Genetics Tuebingen
Classification: Likely benign. Last evaluated: 2026-04-01. Review status: criteria provided, single submitter. Criteria: CeGaT Center For Human Genetics Tuebingen Variant Classification Criteria Version 2. Collection method: clinical testing. Allele origin: germline. Affected: yes. Observed: 1 variant allele.
Comment: APC: PM2:Supporting, BP4, BP7

Myriad Genetics, Inc.
Classification: Benign for Familial adenomatous polyposis 1. Last evaluated: 2024-04-03. Review status: criteria provided, single submitter. Criteria: Myriad Autosomal Dominant, Autosomal Recessive and X-Linked Classification Criteria (2023). Collection method: clinical testing. Allele origin: unknown.
Comment: This variant is considered benign. This variant is a silent/synonymous amino acid change and it is not expected to impact splicing.

Labcorp Genetics (formerly Invitae), Labcorp
Classification: Likely benign for Familial adenomatous polyposis 1. Last evaluated: 2018-03-14. Review status: criteria provided, single submitter. Criteria: Invitae Variant Classification Sherloc (09022015). Collection method: clinical testing. Allele origin: germline.